The following is an entry in ClinVar:

NM_001292063.2(OTOG):c.4199G>A (p.Arg1400His)

Gene: OTOG (otogelin; plus strand). Cytogenetic location: 11p15.1.
Variant type: single nucleotide variant.
Coding change: c.4199G>A on transcript NM_001292063.2 (MANE Select); coding-DNA position 4199, G replaced by A.
Protein change: p.Arg1400His; replaces arginine 1400 with histidine.
Molecular consequence: missense variant.
Genome position (GRCh38, 1-based): chr11:17,608,338, G>A. VCF-style: chr11-17608338-G-A. GRCh37 (hg19) VCF-style: chr11-17629885-G-A.
Other names: c.4235G>A, p.Arg1412His (NM_001277269.2); short protein forms R1400H, R1412H.
Identifiers: ClinVar variation 4685308 (VCV004685308.1).
Genomic context (GRCh38, chr11:17,608,338, plus strand): 5'-CCCCATCTCACTTTCTAGATGCCAAGCCCTCGGGGGCTGCCTACCCCATCTGCGAGTGGC[G>A]CTACGATGCCTGTGCCAGCCCCTGCTTCCAAACCTGCCGGGACCCACGGGCAGCCAGCTG-3'
Protein context (NP_001278992.1, residues 1390-1410): SGAAYPICEW[Arg1400His]YDACASPCFQ

ClinVar aggregate classification (germline): Uncertain significance (1 of 4 stars; one submission).

gnomAD v4.1: 25 of 1,547,024 alleles (0.0016%); highest among the groups gnomAD compares: African/African-American, 0.0027%; no homozygotes.

Submission:

GeneDx
Classification: Uncertain significance. Last evaluated: 2025-07-11. Review status: criteria provided, single submitter. Criteria: GeneDx Variant Classification Process June 2021. Collection method: clinical testing. Allele origin: germline. Affected: yes.
Comment: Not observed at significant frequency in large population cohorts (gnomAD); In silico analysis supports that this missense variant has a deleterious effect on protein structure/function; Has not been previously published as pathogenic or benign to our knowledge